The following is an entry in ClinVar:

NM_000789.4(ACE):c.*910A>G

Gene: ACE (angiotensin I converting enzyme; plus strand). Cytogenetic location: 17q23.3.
Variant type: single nucleotide variant.
Coding change: c.*910A>G on transcript NM_000789.4 (MANE Select); 910 bases downstream of the stop codon, A replaced by G.
Molecular consequence: 3 prime UTR variant.
Genome position (GRCh38, 1-based): chr17:63,498,276, A>G. VCF-style: chr17-63498276-A-G. GRCh37 (hg19) VCF-style: chr17-61575637-A-G.
Other names: c.*910A>G (NM_001178057.2, NM_152830.3).
Identifiers: ClinVar variation 324438 (VCV000324438.5), dbSNP rs1055086, ClinGen allele CA10640170.

ClinVar aggregate classification (germline): Benign (1 of 4 stars; one submission).

Conditions:
Renal tubular dysgenesis. Also called: Renotubular dysgenesis. Identifiers: Orphanet 3033, MedGen C0266313, MONDO:0017609, HP:0008660.

Allele frequency attached by ClinVar (database versions not stated): gnomAD 0.59538 and 0.59649; TOPMed 0.60761; gnomAD exomes 0.62500; 1000 Genomes Project 0.65795; 1000 Genomes Project 30x 0.66427.
gnomAD v4.1: 90,259 of 152,092 alleles (59%); highest among the groups gnomAD compares: African/African-American, 84%; 28,684 homozygotes.

Submission:

Illumina Laboratory Services, Illumina
Classification: Benign for Renal tubular dysgenesis of genetic origin. Last evaluated: 2018-01-13. Review status: criteria provided, single submitter. Criteria: ICSL Variant Classification Criteria 13 December 2019. Collection method: clinical testing. Allele origin: germline.
Comment: This variant was observed in the ICSL laboratory as part of a predisposition screen in an ostensibly healthy population. It had not been previously curated by ICSL or reported in the Human Gene Mutation Database (HGMD: prior to June 1st, 2018), and was therefore a candidate for classification through an automated scoring system. Utilizing variant allele frequency, disease prevalence and penetrance estimates, and inheritance mode, an automated score was calculated to assess if this variant is too frequent to cause the disease. Based on the score and internal cut-off values, a variant classified as benign is not then subjected to further curation. The score for this variant resulted in a classification of benign for this disease.